The following is an entry in ClinVar:

NM_000258.3(MYL3):c.463C>G (p.His155Asp)

Gene: MYL3 (myosin light chain 3; minus strand). Cytogenetic location: 3p21.31.
Variant type: single nucleotide variant.
Coding change: c.463C>G on transcript NM_000258.3 (MANE Select); coding-DNA position 463, C replaced by G.
Protein change: p.His155Asp; replaces histidine 155 with aspartic acid.
Molecular consequence: missense variant.
Genome position (GRCh38, 1-based): chr3:46,859,493, G>C on the plus strand (C>G on the coding strand, the complement: MYL3 is on the minus strand). VCF-style: chr3-46859493-G-C. GRCh37 (hg19) VCF-style: chr3-46900983-G-C.
Other names: p.H155D:CAC>GAC; short protein forms H155D.
Identifiers: ClinVar variation 31783 (VCV000031783.12), dbSNP rs199474706, ClinGen allele CA013871.
Genomic context (GRCh38, chr3:46,859,493, plus strand): 5'-GTCCCTGGAAGGAGTTGGGGTAGGGGAGGAGGCTGCCCTCACCCAGCGTGGCCAGCACGT[G>C]GCGAAGCTCAGCACCCATGACAGTGCCATTGCCCTCCTTGTCGAAGACCCGCAGCCCCTC-3'
Protein context (NP_000249.1, residues 145-165): NGTVMGAELR[His155Asp]VLATLGERLT

ClinVar aggregate classification (germline): Conflicting classifications of pathogenicity. Review status: criteria provided, conflicting classifications (1 of 4 stars). 4 submissions from 4 submitters: Likely pathogenic (2); Uncertain significance (1). 1 of the submissions does not count toward it. Last evaluated 2024-09-12.

Conditions:
Hypertrophic cardiomyopathy 8. Also called: CARDIOMYOPATHY, HYPERTROPHIC, MID-LEFT VENTRICULAR CHAMBER TYPE, 1; MYL3-Related Familial Hypertrophic Cardiomyopathy. Identifiers: MedGen C1837471, MONDO:0012111, OMIM 608751.
Hypertrophic cardiomyopathy. Also called: HYPERTROPHIC MYOCARDIOPATHY. Identifiers: Orphanet 217569, MedGen C0007194, MeSH D002312, MONDO:0005045, HP:0001639.

Submissions (4):

GeneDx
Classification: Likely pathogenic. Last evaluated: 2024-09-12. Review status: criteria provided, single submitter. Criteria: GeneDx Variant Classification Process June 2021. Collection method: clinical testing. Allele origin: germline. Affected: yes.
Comment: Not observed at significant frequency in large population cohorts (gnomAD); In silico analysis supports that this missense variant has a deleterious effect on protein structure/function; This variant is associated with the following publications: (PMID: 27532257, 28790153, 20031618, 36243179, 37652022)

Labcorp Genetics (formerly Invitae), Labcorp
Classification: Uncertain significance for Hypertrophic cardiomyopathy. Last evaluated: 2023-10-07. Review status: criteria provided, single submitter. Criteria: Invitae Variant Classification Sherloc (09022015). Collection method: clinical testing. Allele origin: germline.
Comment: This sequence change replaces histidine, which is basic and polar, with aspartic acid, which is acidic and polar, at codon 155 of the MYL3 protein (p.His155Asp). This variant is not present in population databases (gnomAD no frequency). This missense change has been observed in individual(s) with hypertrophic cardiomyopathy (PMID: 20031618, 27532257, 28790153). ClinVar contains an entry for this variant (Variation ID: 31783). An algorithm developed to predict the effect of missense changes on protein structure and function (PolyPhen-2) suggests that this variant is likely to be disruptive. In summary, the available evidence is currently insufficient to determine the role of this variant in disease. Therefore, it has been classified as a Variant of Uncertain Significance.

Agnes Ginges Centre for Molecular Cardiology, Centenary Institute
Classification: Likely pathogenic for Hypertrophic cardiomyopathy 8. Last evaluated: 2018-07-25. Review status: criteria provided, single submitter. Criteria: ACMG Guidelines, 2015. Collection method: research. Allele origin: germline. Inheritance: Autosomal dominant inheritance. Affected: yes.
Comment: The MYL3 His155Asp variant has been reported previously in a childhood HCM case (Kaski JP, et al., 2009). It has also been identified in 1 additional HCM patient (due to overlap with the Kaski JP, et al., 2009) by the Oxford Medical Genetics Laboratory (Walsh R, et al., 2017), in both families the variant segregated with multiple affected family members (Pers. Comm.). The variant is absent from the Genome Aggregation Database. Computational tools SIFT, MutationTaster, and PolyPhen-2 predict this variant to have a deleterious effect. In summary, using the adapted ACMG criteria (Kelly MA, et al., 2018), the variant has been found to segregate strongly in at least 2 families (PP1_strong), is rare in the general population databases (PM2), in silico tools predict the variant to be deleterious (PP3) and it has been reported in a total of 3 probands (PS4_supporting), therefore we classify MYL3 His155Asp as "likely pathogenic".

Leiden Muscular Dystrophy (MYL3)
No classification provided. Last evaluated: 2012-03-18. Review status: no classification provided. Collection method: curation. Allele origin: germline. Not counted in ClinVar's aggregate classification.

Literature cited by the submitters: PubMed 20031618 (cited by Labcorp Genetics (formerly Invitae), Labcorp and Agnes Ginges Centre for Molecular Cardiology, Centenary Institute); PubMed 27532257 (cited by Labcorp Genetics (formerly Invitae), Labcorp and Agnes Ginges Centre for Molecular Cardiology, Centenary Institute); PubMed 28790153 (cited by Labcorp Genetics (formerly Invitae), Labcorp).